The following is an entry in ClinVar:

NM_032043.3(BRIP1):c.2785C>T (p.Leu929=)

Gene: BRIP1 (BRCA1 interacting DNA helicase 1; minus strand). Cytogenetic location: 17q23.2.
Variant type: single nucleotide variant.
Coding change: c.2785C>T on transcript NM_032043.3 (MANE Select); coding-DNA position 2785, C replaced by T.
Protein change: p.Leu929=; no amino-acid change (leucine 929 retained).
Molecular consequence: synonymous variant.
Genome position (GRCh38, 1-based): chr17:61,685,956, G>A on the plus strand (C>T on the coding strand, the complement: BRIP1 is on the minus strand). VCF-style: chr17-61685956-G-A. GRCh37 (hg19) VCF-style: chr17-59763317-G-A.
Identifiers: ClinVar variation 821809 (VCV000821809.20), dbSNP rs1603276698, ClinGen allele CA501335704.

ClinVar aggregate classification (germline): Conflicting classifications of pathogenicity. Review status: criteria provided, conflicting classifications (1 of 4 stars). 5 submissions from 5 submitters: Uncertain significance (1); Benign (1); Likely benign (3). Last evaluated 2025-12-23.

Conditions:
Hereditary cancer-predisposing syndrome. Also called: Hereditary Cancer Syndrome; Neoplastic Syndromes, Hereditary; Hereditary neoplastic syndrome; Tumor predisposition. Identifiers: Orphanet 140162, MedGen C0027672, MeSH D009386, MONDO:0015356.
Familial cancer of breast. Also called: Hereditary breast cancer; hereditary breast carcinoma; BREAST CANCER, FAMILIAL. Identifiers: Orphanet 227535, MedGen C0346153, MONDO:0016419, OMIM 114480. Disease mechanism: loss of function.
Fanconi anemia complementation group J. Also called: BRIP1-Related Fanconi Anemia. Identifiers: Orphanet 84, MedGen C1836860, MONDO:0012187, OMIM 609054.

Submissions (5):

Labcorp Genetics (formerly Invitae), Labcorp
Classification: Likely benign for Familial cancer of breast; Fanconi anemia complementation group J. Last evaluated: 2025-12-23. Review status: criteria provided, single submitter. Criteria: Invitae Variant Classification Sherloc (09022015). Collection method: clinical testing. Allele origin: germline.

Myriad Genetics, Inc.
Classification: Benign for Familial cancer of breast. Last evaluated: 2024-09-06. Review status: criteria provided, single submitter. Criteria: Myriad Autosomal Dominant, Autosomal Recessive and X-Linked Classification Criteria (2023). Collection method: clinical testing. Allele origin: unknown.
Comment: This variant is considered benign. This variant is a silent/synonymous amino acid change and it is not expected to impact splicing.

GeneDx
Classification: Uncertain significance. Last evaluated: 2022-11-03. Review status: criteria provided, single submitter. Criteria: GeneDx Variant Classification Process June 2021. Collection method: clinical testing. Allele origin: germline. Affected: yes.
Comment: Not observed at significant frequency in large population cohorts (gnomAD); In silico analysis supports that this variant does not alter splicing; Has not been previously published as pathogenic or benign to our knowledge

Color Diagnostics, LLC DBA Color Health
Classification: Likely benign for Hereditary cancer-predisposing syndrome. Last evaluated: 2021-01-26. Review status: criteria provided, single submitter. Criteria: ACMG Guidelines, 2015. Collection method: clinical testing. Allele origin: germline.

Ambry Genetics
Classification: Likely benign for Hereditary cancer-predisposing syndrome. Last evaluated: 2017-11-07. Review status: criteria provided, single submitter. Criteria: Ambry Variant Classification Scheme 2023. Collection method: clinical testing. Allele origin: germline.